The following is an entry in ClinVar:

NM_006269.2(RP1):c.55G>A (p.Gly19Ser)

Gene: RP1 (RP1 axonemal microtubule associated; plus strand). Cytogenetic location: 8q12.1.
Variant type: single nucleotide variant.
Coding change: c.55G>A on transcript NM_006269.2 (MANE Select); coding-DNA position 55, G replaced by A.
Protein change: p.Gly19Ser; replaces glycine 19 with serine.
Molecular consequence: missense variant.
Genome position (GRCh38, 1-based): chr8:54,621,021, G>A. VCF-style: chr8-54621021-G-A. GRCh37 (hg19) VCF-style: chr8-55533581-G-A.
Other names: c.55G>A, p.Gly19Ser (NM_001375654.1); short protein forms G19S.
Identifiers: ClinVar variation 2705804 (VCV002705804.3), dbSNP rs200828083, ClinGen allele CA177234223.

ClinVar aggregate classification (germline): Uncertain significance (1 of 4 stars; one submission).

Allele frequency attached by ClinVar (database versions not stated): gnomAD 0.00001; 1000 Genomes Project 30x 0.00016; 1000 Genomes Project 0.00020.
gnomAD v4.1: 1 of 1,614,144 alleles (0.000062%); highest among the groups gnomAD compares: East Asian, 0.0022%; no homozygotes.

Submission:

Labcorp Genetics (formerly Invitae), Labcorp
Classification: Uncertain significance. Last evaluated: 2024-01-06. Review status: criteria provided, single submitter. Criteria: Invitae Variant Classification Sherloc (09022015). Collection method: clinical testing. Allele origin: germline.
Comment: This sequence change replaces glycine, which is neutral and non-polar, with serine, which is neutral and polar, at codon 19 of the RP1 protein (p.Gly19Ser). This variant is not present in population databases (gnomAD no frequency). This variant has not been reported in the literature in individuals affected with RP1-related conditions. An algorithm developed to predict the effect of missense changes on protein structure and function (PolyPhen-2) suggests that this variant is likely to be disruptive. In summary, the available evidence is currently insufficient to determine the role of this variant in disease. Therefore, it has been classified as a Variant of Uncertain Significance.